The following is an entry in ClinVar:

ClinVar aggregate classification (germline): Uncertain significance (1 of 4 stars; one submission).

gnomAD v4.1: 1 of 1,596,180 alleles (0.000063%); highest among the groups gnomAD compares: Non-Finnish European, 0.000085%; no homozygotes.

Submission:

Labcorp Genetics (formerly Invitae), Labcorp
Classification: Uncertain significance. Last evaluated: 2024-09-12. Review status: criteria provided, single submitter. Criteria: Invitae Variant Classification Sherloc (09022015). Collection method: clinical testing. Allele origin: germline.
Comment: This sequence change replaces glycine, which is neutral and non-polar, with aspartic acid, which is acidic and polar, at codon 458 of the COL10A1 protein (p.Gly458Asp). This variant is not present in population databases (gnomAD no frequency). This variant has not been reported in the literature in individuals affected with COL10A1-related conditions. Invitae Evidence Modeling of protein sequence and biophysical properties (such as structural, functional, and spatial information, amino acid conservation, physicochemical variation, residue mobility, and thermodynamic stability) indicates that this missense variant is expected to disrupt COL10A1 protein function with a positive predictive value of 80%. In summary, the available evidence is currently insufficient to determine the role of this variant in disease. Therefore, it has been classified as a Variant of Uncertain Significance.

NM_000493.4(COL10A1):c.1373G>A (p.Gly458Asp)

Genes: COL10A1 (collagen type X alpha 1 chain; minus strand), NT5DC1 (5'-nucleotidase domain containing 1; plus strand). Cytogenetic location: 6q22.1.
Variant type: single nucleotide variant.
Coding change: c.1373G>A on transcript NM_000493.4 (MANE Select); coding-DNA position 1373, G replaced by A.
Protein change: p.Gly458Asp; replaces glycine 458 with aspartic acid.
Molecular consequence: missense variant. On other transcripts: intron variant (1).
Genome position (GRCh38, 1-based): chr6:116,120,743, C>T on the plus strand (G>A on the coding strand, the complement: COL10A1 is on the minus strand). VCF-style: chr6-116120743-C-T. GRCh37 (hg19) VCF-style: chr6-116441906-C-T.
Other names: c.1373G>A, p.Gly458Asp (NM_001424106.1, NM_001424107.1); c.529+2798C>T (NM_152729.3); short protein forms G458D.
Identifiers: ClinVar variation 3690407 (VCV003690407.2).
Genomic context (GRCh38, chr6:116,120,743, plus strand): 5'-GCTGGGCCAGGAGGACCGGGACTTCCTGGATCCCCTTTAGACCCAGGGAATCCTGGAATG[C>T]CTGGTGGCCCAATAGGGCCTCTAGTACCTGGTATTCCAGGGGCACCTCTTGGGCCAGCCT-3'
Protein context (NP_000484.2, residues 448-468): PGTRGPIGPP[Gly458Asp]IPGFPGSKGD